The following is an entry in ClinVar:

ClinVar aggregate classification (germline): Uncertain significance (1 of 4 stars; one submission).

Conditions:
Werner syndrome (WRN). Identifiers: Orphanet 902, MedGen C0043119, MONDO:0010196, OMIM 277700.

Allele frequency attached by ClinVar (database versions not stated): gnomAD exomes below 0.00001.

Submission:

Labcorp Genetics (formerly Invitae), Labcorp
Classification: Uncertain significance for Werner syndrome. Last evaluated: 2021-08-26. Review status: criteria provided, single submitter. Criteria: Invitae Variant Classification Sherloc (09022015). Collection method: clinical testing. Allele origin: germline.
Comment: This sequence change replaces methionine with isoleucine at codon 1130 of the WRN protein (p.Met1130Ile). The methionine residue is weakly conserved and there is a small physicochemical difference between methionine and isoleucine. This variant is not present in population databases (ExAC no frequency). This variant has not been reported in the literature in individuals with WRN-related conditions. Algorithms developed to predict the effect of missense changes on protein structure and function output the following: SIFT: "Not Available"; PolyPhen-2: "Benign"; Align-GVGD: "Not Available". The isoleucine amino acid residue is found in multiple mammalian species, suggesting that this missense change does not adversely affect protein function. These predictions have not been confirmed by published functional studies and their clinical significance is uncertain. In summary, the available evidence is currently insufficient to determine the role of this variant in disease. Therefore, it has been classified as a Variant of Uncertain Significance.

NM_000553.6(WRN):c.3390G>A (p.Met1130Ile)

Gene: WRN (WRN RecQ like helicase; plus strand). Cytogenetic location: 8p12.
Variant type: single nucleotide variant.
Coding change: c.3390G>A on transcript NM_000553.6 (MANE Select); coding-DNA position 3390, G replaced by A.
Protein change: p.Met1130Ile; replaces methionine 1130 with isoleucine.
Molecular consequence: missense variant.
Genome position (GRCh38, 1-based): chr8:31,147,059, G>A. VCF-style: chr8-31147059-G-A. GRCh37 (hg19) VCF-style: chr8-31004575-G-A.
Other names: short protein forms M1130I.
Identifiers: ClinVar variation 1431861 (VCV001431861.6), dbSNP rs2130438367, ClinGen allele CA370925161.